The following is an entry in ClinVar:

NM_025137.4(SPG11):c.1007+19_1007+20insCAGAAACTTCCTTTTCTTTTTTTTTTTTTTTTTTTTNNNNNNNNNNCGGCGGCAAAGACTGAGACAGCTCCGCTGCCCGCTGAACTCCATCCTCCCGGCGGTCGGGCGGCGGCGGCTGC

Gene: SPG11 (SPG11 vesicle trafficking associated, spatacsin; minus strand). Cytogenetic location: 15q21.1.
Variant type: Insertion.
Coding change: c.1007+19_1007+20insCAGAAACTTCCTTTTCTTTTTTTTTTTTTTTTTTTTNNNNNNNNNNCGGCGGCAAAGACTGAGACAGCTCCGCTGCCCGCTGAACTCCATCCTCCCGGCGGTCGGGCGGCGGCGGCTGC on transcript NM_025137.4 (MANE Select); bases 19 to 20 of the intron after coding-DNA position 1007, CAGAAACTTCCTTTTCTTTTTTTTTTTTTTTTTTTTNNNNNNNNNNCGGCGGCAAAGACTGAGACAGCTCCGCTGCCCGCTGAACTCCATCCTCCCGGCGGTCGGGCGGCGGCGGCTGC inserted.
Molecular consequence: intron variant.
Genome position: GRCh38: chr15:44,652,125-44,652,126. GRCh37 (hg19): chr15:44,944,323-44,944,324.
Other names: c.1007+19_1007+20insCAGAAACTTCCTTTTCTTTTTTTTTTTTTTTTTTTTNNNNNNNNNNCGGCGGCAAAGACTGAGACAGCTCCGCTGCCCGCTGAACTCCATCCTCCCGGCGGTCGGGCGGCGGCGGCTGC (NM_001160227.2).
Identifiers: ClinVar variation 1393420 (VCV001393420.3), dbSNP rs2141107951.

ClinVar aggregate classification (germline): Uncertain significance (1 of 4 stars; one submission).

Conditions:
Hereditary spastic paraplegia 11. Also called: Nakamura Osame syndrome; Autosomal recessive hereditary spastic paraplegia, mental impairment, and thin corpus callosum; SPASTIC PARAPLEGIA, AUTOSOMAL RECESSIVE, COMPLICATED, WITH THIN CORPUS CALLOSUM; SPASTIC PARAPLEGIA, AUTOSOMAL RECESSIVE, WITH MENTAL IMPAIRMENT AND THIN CORPUS CALLOSUM; Spastic paraplegia, mental retardation and thin corpus callosum; Spastic Paraplegia 11. Identifiers: Orphanet 2822, MedGen C1858479, MONDO:0011445, OMIM 604360.

Submission:

Labcorp Genetics (formerly Invitae), Labcorp
Classification: Uncertain significance for Hereditary spastic paraplegia 11. Last evaluated: 2021-10-18. Review status: criteria provided, single submitter. Criteria: Invitae Variant Classification Sherloc (09022015). Collection method: clinical testing. Allele origin: germline.
Comment: This sequence change falls in intron 5 of the SPG11 gene. It does not directly change the encoded amino acid sequence of the SPG11 protein. This variant is not present in population databases (ExAC no frequency). This variant has not been reported in the literature in individuals affected with SPG11-related conditions. Experimental studies and prediction algorithms are not available or were not evaluated, and the effect of this variant on mRNA splicing is currently unknown. In summary, the available evidence is currently insufficient to determine the role of this variant in disease. Therefore, it has been classified as a Variant of Uncertain Significance.